The following is an entry in ClinVar:

ClinVar aggregate classification (germline): Uncertain significance (1 of 4 stars; one submission).

Submission:

GeneDx
Classification: Uncertain significance. Last evaluated: 2022-03-10. Review status: criteria provided, single submitter. Criteria: GeneDx Variant Classification Process June 2021. Collection method: clinical testing. Allele origin: germline. Affected: yes.
Comment: Not observed at significant frequency in large population cohorts (gnomAD); In silico analysis supports that this missense variant has a deleterious effect on protein structure/function; Has not been previously published as pathogenic or benign to our knowledge

NM_002470.4(MYH3):c.325C>T (p.Arg109Cys)

Gene: MYH3 (myosin heavy chain 3; minus strand). Cytogenetic location: 17p13.1.
Variant type: single nucleotide variant.
Coding change: c.325C>T on transcript NM_002470.4 (MANE Select); coding-DNA position 325, C replaced by T.
Protein change: p.Arg109Cys; replaces arginine 109 with cysteine.
Molecular consequence: missense variant.
Genome position (GRCh38, 1-based): chr17:10,652,443, G>A on the plus strand (C>T on the coding strand, the complement: MYH3 is on the minus strand). VCF-style: chr17-10652443-G-A. GRCh37 (hg19) VCF-style: chr17-10555760-G-A.
Other names: short protein forms R109C.
Identifiers: ClinVar variation 1704777 (VCV001704777.2), dbSNP rs2074385564, ClinGen allele CA398116338.